The following is an entry in ClinVar:

ClinVar aggregate classification (germline): Uncertain significance. Review status: criteria provided, multiple submitters, no conflicts (2 of 4 stars). 2 submissions from 2 submitters: Uncertain significance (2). Last evaluated 2025-02-12.

Allele frequency attached by ClinVar (database versions not stated): ExAC 0.00001; gnomAD 0.00003; TOPMed 0.00004; gnomAD exomes 0.00006; ESP Exome Variant Server 0.00008.

Submissions (2):

Ambry Genetics
Classification: Uncertain significance. Last evaluated: 2025-02-12. Review status: criteria provided, single submitter. Criteria: Ambry Variant Classification Scheme 2023. Collection method: clinical testing. Allele origin: germline.

GeneDx
Classification: Uncertain significance. Last evaluated: 2023-03-17. Review status: criteria provided, single submitter. Criteria: GeneDx Variant Classification Process June 2021. Collection method: clinical testing. Allele origin: germline. Affected: yes.
Comment: In silico analysis supports that this missense variant has a deleterious effect on protein structure/function; Has not been previously published as pathogenic or benign to our knowledge

NM_017871.6(INTS11):c.721G>A (p.Ala241Thr)

Gene: INTS11 (integrator complex subunit 11; minus strand). Cytogenetic location: 1p36.33.
Variant type: single nucleotide variant.
Coding change: c.721G>A on transcript NM_017871.6 (MANE Select); coding-DNA position 721, G replaced by A.
Protein change: p.Ala241Thr; replaces alanine 241 with threonine.
Molecular consequence: missense variant.
Genome position (GRCh38, 1-based): chr1:1,314,347, C>T on the plus strand (G>A on the coding strand, the complement: INTS11 is on the minus strand). VCF-style: chr1-1314347-C-T. GRCh37 (hg19) VCF-style: chr1-1249727-C-T.
Other names: c.739G>A, p.Ala247Thr (NM_001256456.2); c.634G>A, p.Ala212Thr (NM_001256460.2); c.427G>A, p.Ala143Thr (NM_001256462.2); c.418G>A, p.Ala140Thr (NM_001256463.2); c.721G>A (NM_017871.4); short protein forms A140T, A143T, A212T, A241T, A247T.
Identifiers: ClinVar variation 2580096 (VCV002580096.3), dbSNP rs376785374, ClinGen allele CA517732.